The following is an entry in ClinVar:

NM_001387220.1(IKZF2):c.29T>C (p.Ile10Thr)

Gene: IKZF2 (IKAROS family zinc finger 2; minus strand). Cytogenetic location: 2q34.
Variant type: single nucleotide variant.
Coding change: c.29T>C on transcript NM_001387220.1 (MANE Select); coding-DNA position 29, T replaced by C.
Protein change: p.Ile10Thr; replaces isoleucine 10 with threonine.
Molecular consequence: missense variant.
Genome position (GRCh38, 1-based): chr2:213,148,601, A>G on the plus strand (T>C on the coding strand, the complement: IKZF2 is on the minus strand). VCF-style: chr2-213148601-A-G. GRCh37 (hg19) VCF-style: chr2-214013325-A-G.
Other names: c.29T>C, p.Ile10Thr (NM_001079526.2, NM_001371274.1, NM_001371275.1 and 3 more transcripts); short protein forms I10T.
Identifiers: ClinVar variation 3257120 (VCV003257120.17).

ClinVar aggregate classification (germline): Uncertain significance (1 of 4 stars; one submission).

gnomAD v4.1: 15 of 1,610,662 alleles (0.00093%); highest among the groups gnomAD compares: Middle Eastern, 0.017%; no homozygotes.

Submission:

CeGaT Center for Human Genetics Tuebingen
Classification: Uncertain significance. Last evaluated: 2024-07-01. Review status: criteria provided, single submitter. Criteria: CeGaT Center For Human Genetics Tuebingen Variant Classification Criteria Version 2. Collection method: clinical testing. Allele origin: germline. Affected: yes. Observed: 1 variant allele.
Comment: IKZF2: PM2